The following is an entry in ClinVar:

NM_133497.4(KCNV2):c.605G>C (p.Cys202Ser)

Gene: KCNV2 (potassium voltage-gated channel modifier subfamily V member 2; plus strand). Cytogenetic location: 9p24.2.
Variant type: single nucleotide variant.
Coding change: c.605G>C on transcript NM_133497.4 (MANE Select); coding-DNA position 605, G replaced by C.
Protein change: p.Cys202Ser; replaces cysteine 202 with serine.
Molecular consequence: missense variant.
Genome position (GRCh38, 1-based): chr9:2,718,344, G>C. VCF-style: chr9-2718344-G-C. GRCh37 (hg19) VCF-style: chr9-2718344-G-C.
Other names: short protein forms C202S.
Identifiers: ClinVar variation 1987362 (VCV001987362.4), dbSNP rs760675536, ClinGen allele CA372798523.

ClinVar aggregate classification (germline): Uncertain significance (1 of 4 stars; one submission).

gnomAD v4.1: 3 of 1,601,298 alleles (0.00019%); highest among the groups gnomAD compares: Non-Finnish European, 0.00017%; no homozygotes.

Submission:

Labcorp Genetics (formerly Invitae), Labcorp
Classification: Uncertain significance. Last evaluated: 2024-02-17. Review status: criteria provided, single submitter. Criteria: Invitae Variant Classification Sherloc (09022015). Collection method: clinical testing. Allele origin: germline.
Comment: This sequence change replaces cysteine, which is neutral and slightly polar, with serine, which is neutral and polar, at codon 202 of the KCNV2 protein (p.Cys202Ser). This variant is present in population databases (no rsID available, gnomAD 0.001%). This variant has not been reported in the literature in individuals affected with KCNV2-related conditions. ClinVar contains an entry for this variant (Variation ID: 1987362). Advanced modeling of protein sequence and biophysical properties (such as structural, functional, and spatial information, amino acid conservation, physicochemical variation, residue mobility, and thermodynamic stability) performed at Invitae indicates that this missense variant is not expected to disrupt KCNV2 protein function with a negative predictive value of 80%. In summary, the available evidence is currently insufficient to determine the role of this variant in disease. Therefore, it has been classified as a Variant of Uncertain Significance.